The following is an entry in ClinVar:

ClinVar aggregate classification (germline): Pathogenic (1 of 4 stars; one submission).

Conditions:
Retinitis pigmentosa (RP). Identifiers: Orphanet 791, MedGen C0035334, MeSH D012174, MONDO:0019200, OMIM 268000. Inheritance: Autosomal dominant, autosomal recessive and X linked inheritance.

Submission:

Women's Health and Genetics/Laboratory Corporation of America, LabCorp
Classification: Pathogenic for Retinitis pigmentosa. Last evaluated: 2024-10-10. Review status: criteria provided, single submitter. Criteria: LabCorp Variant Classification Summary - May 2015. Collection method: clinical testing. Allele origin: germline.
Comment: Variant summary: CNGB1 c.160_161delinsA (p.Pro54ThrfsX42) results in a premature termination codon, predicted to cause a truncation of the encoded protein or absence of the protein due to nonsense mediated decay, which are commonly known mechanisms for disease. Consensus agreement among computation tools predict no significant impact on normal splicing. However, these predictions have yet to be confirmed by functional studies. The variant was absent in 1614104 control chromosomes. To our knowledge, no occurrence of c.160_161delinsA in individuals affected with Retinitis Pigmentosa and no experimental evidence demonstrating its impact on protein function have been reported. No submitters have cited clinical-significance assessments for this variant to ClinVar. However, both upstream and downstream truncating variants have been reported in individuals with Retinitis Pigmentosa and have been classified as pathogenic or likely pathogenic in ClinVar. Based on the evidence outlined above, the variant was classified as pathogenic.

NM_001297.5(CNGB1):c.160_161delinsA (p.Pro54fs)

Gene: CNGB1 (cyclic nucleotide gated channel subunit beta 1; minus strand). Cytogenetic location: 16q21.
Variant type: Indel.
Coding change: c.160_161delinsA on transcript NM_001297.5 (MANE Select); coding-DNA positions 160 to 161, CC replaced by A.
Protein change: p.Pro54fs; shifts the reading frame from proline 54.
Molecular consequence: frameshift variant.
Genome position (GRCh38, 1-based): chr16:57,964,543-57,964,544, GG replaced by T on the plus strand (CC replaced by A on the coding strand, the reverse complement: CNGB1 is on the minus strand). VCF-style: chr16-57964543-GG-T. GRCh37 (hg19) VCF-style: chr16-57998447-GG-T.
Other names: c.160_161delinsA, p.Pro54fs (NM_001135639.2, NM_001286130.2); short protein forms P54fs.
Identifiers: ClinVar variation 3384782 (VCV003384782.1).
Genomic context (GRCh38, chr16:57,964,543, plus strand): 5'-TCACCCTGAGGGCTTGGGTCTGCCACAGCCACTTCCTCCTCCTTGAATGACTCTTCGGGG[GG>T]CTAGAGGGTTCGAACAGGATCATGTAAGTCCTAGGTGAGACCAGCCTGGTTTGGACAGGG-3'